The following is an entry in ClinVar:

NM_007294.4(BRCA1):c.5273G>A (p.Arg1758Lys)

Gene: BRCA1 (BRCA1 DNA repair associated; minus strand). Cytogenetic location: 17q21.31.
Variant type: single nucleotide variant.
Coding change: c.5273G>A on transcript NM_007294.4 (MANE Select); coding-DNA position 5273, G replaced by A.
Protein change: p.Arg1758Lys; replaces arginine 1758 with lysine.
Molecular consequence: missense variant. On other transcripts: non-coding transcript variant (1).
Genome position (GRCh38, 1-based): chr17:43,057,056, C>T on the plus strand (G>A on the coding strand, the complement: BRCA1 is on the minus strand). VCF-style: chr17-43057056-C-T. GRCh37 (hg19) VCF-style: chr17-41209073-C-T.
Other names: c.1700G>A, p.Arg567Lys (NM_001408498.1, NM_001408499.1, NM_001408496.1 and 3 more transcripts); c.1583G>A, p.Arg528Lys (NM_001408510.1); c.1580G>A, p.Arg527Lys (NM_001408511.1); c.1460G>A, p.Arg487Lys (NM_001408512.1); c.1433G>A, p.Arg478Lys (NM_001408513.1); c.1037G>A, p.Arg346Lys (NM_001408514.1); c.5132G>A, p.Arg1711Lys (NM_007297.4, NM_001407692.1, NM_001407694.1 and 13 more transcripts); c.1961G>A, p.Arg654Lys (NM_007298.4, NM_007299.4, NM_007304.2 and 13 more transcripts); and 72 more; short protein forms R1779K, R1711K, R1758K, R654K, R1461K, R1668K, R1709K, R1715K.
Identifiers: ClinVar variation 867913 (VCV000867913.3), dbSNP rs2051497373, ClinGen allele CA10591008.

Conditions:
Breast-ovarian cancer, familial, susceptibility to, 1 (BROVCA1). Also called: BRCA1 Hereditary Breast and Ovarian Cancer; OVARIAN CANCER, SUSCEPTIBILITY TO. Identifiers: Orphanet 145, MedGen C2676676, MONDO:0011450, OMIM 604370. Disease mechanism: loss of function.

Submission:

Brotman Baty Institute, University of Washington
No classification provided (evidence only). Condition: Breast-ovarian cancer, familial 1. Review status: no classification provided. Collection method: in vitro. Allele origin: not applicable. Functional consequence: functionally_normal.
ClinVar note: "not provided" was previously submitted as the classification for the variant. However, the classification appeared to be based only on an observation of functional data so it was converted to no classification on 2025-07-30.